The following is an entry in ClinVar:

NM_001370658.1(BTD):c.881A>G (p.His294Arg)

Gene: BTD (biotinidase; plus strand). Cytogenetic location: 3p25.1.
Variant type: single nucleotide variant.
Coding change: c.881A>G on transcript NM_001370658.1 (MANE Select); coding-DNA position 881, A replaced by G.
Protein change: p.His294Arg; replaces histidine 294 with arginine.
Molecular consequence: missense variant. On other transcripts: intron variant (1).
Genome position (GRCh38, 1-based): chr3:15,644,797, A>G. VCF-style: chr3-15644797-A-G. GRCh37 (hg19) VCF-style: chr3-15686304-A-G.
Other names: c.881A>G, p.His294Arg (NM_001323582.2, NM_001370752.1, NM_001281723.4 and 18 more transcripts); c.941A>G, p.His314Arg (NM_000060.4); c.399+2740A>G (NM_001370753.1); short protein forms H294R.
Identifiers: ClinVar variation 555546 (VCV000555546.5), dbSNP rs1553653888, ClinGen allele CA351607538.
Genomic context (GRCh38, chr3:15,644,797, plus strand): 5'-TCAACGTTCTGGCAGCTAATGTCCACCACCCAGTTCTGGGGATGACAGGAAGTGGCATAC[A>G]CACCCCTCTGGAGTCCTTTTGGTACCATGACATGGAAAATCCCAAAAGTCACCTTATAAT-3'
Protein context (NP_001357587.1, residues 284-304): PVLGMTGSGI[His294Arg]TPLESFWYHD

ClinVar aggregate classification (germline): Uncertain significance. Review status: criteria provided, single submitter (1 of 4 stars). 2 submissions from 2 submitters: Uncertain significance (1). 1 of the submissions does not count toward it. Last evaluated 2024-06-05.

Conditions:
Biotinidase deficiency. Also called: BTD deficiency; Late-onset biotin-responsive multiple carboxylase deficiency; Biotin deficiency. Identifiers: Orphanet 79241, MedGen C0220754, MONDO:0009665, OMIM 253260.

Submissions (2):

Women's Health and Genetics/Laboratory Corporation of America, LabCorp
Classification: Uncertain significance. Last evaluated: 2024-06-05. Review status: criteria provided, single submitter. Criteria: LabCorp Variant Classification Summary - May 2015. Collection method: clinical testing. Allele origin: germline.
Comment: Variant summary: BTD c.881A>G (p.His294Arg) results in a non-conservative amino acid change located in the Carbon-nitrogen hydrolase domain (IPR003010) of the encoded protein sequence. Four of five in-silico tools predict a damaging effect of the variant on protein function. The variant was absent in 251394 control chromosomes (gnomAD). The available data on variant occurrences in the general population are insufficient to allow any conclusion about variant significance. This report does not provide unequivocal conclusions about association of the variant with Biotinidase Deficiency. To our knowledge, no experimental evidence demonstrating an impact on protein function has been reported. The following publication has been ascertained in the context of this evaluation (PMID: 26656798). ClinVar contains an entry for this variant (Variation ID: 555546). Based on the evidence outlined above, the variant was classified as uncertain significance.

Counsyl
Classification: Uncertain significance for Biotinidase deficiency. Last evaluated: 2017-12-12. Review status: no assertion criteria provided. Collection method: clinical testing. Allele origin: unknown. Not counted in ClinVar's aggregate classification.

Literature cited by the submitters: PubMed 26656798 (cited by Women's Health and Genetics/Laboratory Corporation of America, LabCorp and Counsyl).